The following is an entry in ClinVar:

NM_031427.4(DNAL1):c.16A>G (p.Thr6Ala)

Gene: DNAL1 (dynein axonemal light chain 1; plus strand). Cytogenetic location: 14q24.3.
Variant type: single nucleotide variant.
Coding change: c.16A>G on transcript NM_031427.4 (MANE Select); coding-DNA position 16, A replaced by G.
Protein change: p.Thr6Ala; replaces threonine 6 with alanine.
Molecular consequence: missense variant. On other transcripts: 5 prime UTR variant (1).
Genome position (GRCh38, 1-based): chr14:73,654,859, A>G. VCF-style: chr14-73654859-A-G. GRCh37 (hg19) VCF-style: chr14-74121562-A-G.
Other names: c.-102A>G (NM_001201366.2); short protein forms T6A.
Identifiers: ClinVar variation 2004901 (VCV002004901.4), dbSNP rs2502964445, ClinGen allele CA390318338.

ClinVar aggregate classification (germline): Uncertain significance (1 of 4 stars; one submission).

Conditions:
Primary ciliary dyskinesia 16. Also called: CILIARY DYSKINESIA, PRIMARY, 16, WITH OR WITHOUT SITUS INVERSUS. Identifiers: Orphanet 244, MedGen C3151460, MONDO:0013525, OMIM 614017.

Allele frequency attached by ClinVar (database versions not stated): gnomAD exomes below 0.00001.
gnomAD v4.1: 6 of 1,531,948 alleles (0.00039%); highest among the groups gnomAD compares: Non-Finnish European, 0.00053%; no homozygotes.

Submission:

Labcorp Genetics (formerly Invitae), Labcorp
Classification: Uncertain significance for Primary ciliary dyskinesia 16. Last evaluated: 2025-08-15. Review status: criteria provided, single submitter. Criteria: Invitae Variant Classification Sherloc (09022015). Collection method: clinical testing. Allele origin: germline.
Comment: This sequence change replaces threonine, which is neutral and polar, with alanine, which is neutral and non-polar, at codon 6 of the DNAL1 protein (p.Thr6Ala). This variant is not present in population databases (gnomAD no frequency). This variant has not been reported in the literature in individuals affected with DNAL1-related conditions. ClinVar contains an entry for this variant (Variation ID: 2004901). An algorithm developed to predict the effect of missense changes on protein structure and function (PolyPhen-2) suggests that this variant is likely to be tolerated. In summary, the available evidence is currently insufficient to determine the role of this variant in disease. Therefore, it has been classified as a Variant of Uncertain Significance.